The following is an entry in ClinVar:

NM_001042492.3(NF1):c.539dup (p.Leu180fs)

Gene: NF1 (neurofibromin 1; plus strand). Cytogenetic location: 17q11.2.
Variant type: Duplication.
Coding change: c.539dup on transcript NM_001042492.3 (MANE Select); coding-DNA position 539, one base duplicated (T; older notation c.539dupT).
Protein change: p.Leu180fs; shifts the reading frame from leucine 180.
Molecular consequence: frameshift variant.
Genome position (GRCh38, 1-based): chr17:31,169,950, T duplicated; the last of 2 consecutive T bases (chr17:31,169,949-31,169,950); duplicating either gives the same sequence. VCF-style (leftmost placement, unchanged base first): chr17-31169948-G-GT. GRCh37 (hg19) VCF-style: chr17-29496966-G-GT.
Other names: c.539dup, p.Leu180Phefs (NM_000267.4); c.539dup, p.Leu180fs (NM_001128147.3); short protein forms L180fs.
Identifiers: ClinVar variation 1992925 (VCV001992925.29), dbSNP rs2544719118, ClinGen allele CA2580093001.

ClinVar aggregate classification (germline): Pathogenic. Review status: criteria provided, multiple submitters, no conflicts (2 of 4 stars). 2 submissions from 2 submitters: Pathogenic (2). Last evaluated 2024-07-03.

Conditions:
Neurofibromatosis, type 1 (NF1). Also called: VON RECKLINGHAUSEN DISEASE; Peripheral type neurofibromatosis; NEUROFIBROMATOSIS, TYPE I, SOMATIC; Neurofibromatosis, type I. Identifiers: Orphanet 636, MedGen C0027831, MONDO:0018975, OMIM 162200. Disease mechanism: loss of function.

Submissions (2):

Labcorp Genetics (formerly Invitae), Labcorp
Classification: Pathogenic for Neurofibromatosis, type 1. Last evaluated: 2024-07-03. Review status: criteria provided, single submitter. Criteria: Invitae Variant Classification Sherloc (09022015). Collection method: clinical testing. Allele origin: germline.
Comment: This sequence change creates a premature translational stop signal (p.Leu180Phefs*21) in the NF1 gene. It is expected to result in an absent or disrupted protein product. Loss-of-function variants in NF1 are known to be pathogenic (PMID: 10712197, 23913538). This variant is not present in population databases (gnomAD no frequency). This variant has not been reported in the literature in individuals affected with NF1-related conditions. ClinVar contains an entry for this variant (Variation ID: 1992925). For these reasons, this variant has been classified as Pathogenic.

CeGaT Center for Human Genetics Tuebingen
Classification: Pathogenic. Last evaluated: 2023-07-01. Review status: criteria provided, single submitter. Criteria: CeGaT Center For Human Genetics Tuebingen Variant Classification Criteria Version 2. Collection method: clinical testing. Allele origin: germline. Affected: yes. Observed: 1 variant allele.
Comment: NF1: PVS1, PM2, PP4

Literature cited by the submitters: PubMed 10712197 (cited by Labcorp Genetics (formerly Invitae), Labcorp); PubMed 23913538 (cited by Labcorp Genetics (formerly Invitae), Labcorp).